The following is an entry in ClinVar:

NM_001171.6(ABCC6):c.2810C>A (p.Ala937Asp)

Gene: ABCC6 (ATP binding cassette subfamily C member 6; minus strand). Cytogenetic location: 16p13.11.
Variant type: single nucleotide variant.
Coding change: c.2810C>A on transcript NM_001171.6 (MANE Select); coding-DNA position 2810, C replaced by A.
Protein change: p.Ala937Asp; replaces alanine 937 with aspartic acid.
Molecular consequence: missense variant. On other transcripts: non-coding transcript variant (1).
Genome position (GRCh38, 1-based): chr16:16,169,831, G>T on the plus strand (C>A on the coding strand, the complement: ABCC6 is on the minus strand). VCF-style: chr16-16169831-G-T. GRCh37 (hg19) VCF-style: chr16-16263688-G-T.
Other names: c.2468C>A, p.Ala823Asp (NM_001351800.1); short protein forms A937D, A823D.
Identifiers: ClinVar variation 1500052 (VCV001500052.5), dbSNP rs1287329186, ClinGen allele CA394885036.

ClinVar aggregate classification (germline): Uncertain significance (1 of 4 stars; one submission).

Allele frequency attached by ClinVar (database versions not stated): gnomAD 0.00001; TOPMed 0.00001.
gnomAD v4.1: 2 of 1,556,822 alleles (0.00013%); highest among the groups gnomAD compares: African/African-American, 0.0014%; no homozygotes.

Submission:

Labcorp Genetics (formerly Invitae), Labcorp
Classification: Uncertain significance. Last evaluated: 2021-09-01. Review status: criteria provided, single submitter. Criteria: Invitae Variant Classification Sherloc (09022015). Collection method: clinical testing. Allele origin: germline.
Comment: This sequence change replaces alanine with aspartic acid at codon 937 of the ABCC6 protein (p.Ala937Asp). The alanine residue is weakly conserved and there is a moderate physicochemical difference between alanine and aspartic acid. This variant is not present in population databases (ExAC no frequency). This variant has not been reported in the literature in individuals affected with ABCC6-related conditions. Advanced modeling of protein sequence and biophysical properties (such as structural, functional, and spatial information, amino acid conservation, physicochemical variation, residue mobility, and thermodynamic stability) performed at Invitae indicates that this missense variant is not expected to disrupt ABCC6 protein function. In summary, the available evidence is currently insufficient to determine the role of this variant in disease. Therefore, it has been classified as a Variant of Uncertain Significance.